The following is an entry in ClinVar:

ClinVar aggregate classification (germline): Likely benign. Review status: criteria provided, multiple submitters, no conflicts (2 of 4 stars). 3 submissions from 3 submitters: Likely benign (2). 1 of the submissions does not count toward it. Last evaluated 2025-12-19.

Conditions:
RAI1-related disorder. Also called: RAI1-related condition.

Allele frequency attached by ClinVar (database versions not stated): gnomAD 0.00001; gnomAD exomes 0.00001 and 0.00007; TOPMed 0.00003; ExAC 0.00004; 1000 Genomes Project 30x 0.00016; 1000 Genomes Project 0.00020.
gnomAD v4.1: 19 of 1,613,212 alleles (0.0012%); highest among the groups gnomAD compares: Admixed American, 0.027%; no homozygotes.

Submissions (3):

Labcorp Genetics (formerly Invitae), Labcorp
Classification: Likely benign. Last evaluated: 2025-12-19. Review status: criteria provided, single submitter. Criteria: Invitae Variant Classification Sherloc (09022015). Collection method: clinical testing. Allele origin: germline.

Blueprint Genetics
Classification: Likely benign. Last evaluated: 2022-10-15. Review status: criteria provided, single submitter. Criteria: ACMG Guidelines, 2015. Collection method: clinical testing. Allele origin: germline.

PreventionGenetics, part of Exact Sciences
Classification: Likely benign for RAI1-related condition. Last evaluated: 2021-07-02. Review status: no assertion criteria provided. Collection method: clinical testing. Allele origin: germline. Not counted in ClinVar's aggregate classification.
Comment: This variant is classified as likely benign based on ACMG/AMP sequence variant interpretation guidelines (Richards et al. 2015 PMID: 25741868, with internal and published modifications).

NM_030665.4(RAI1):c.1638G>A (p.Ser546=)

Gene: RAI1 (retinoic acid induced 1; plus strand). Cytogenetic location: 17p11.2.
Variant type: single nucleotide variant.
Coding change: c.1638G>A on transcript NM_030665.4 (MANE Select); coding-DNA position 1638, G replaced by A.
Protein change: p.Ser546=; no amino-acid change (serine 546 retained).
Molecular consequence: synonymous variant.
Genome position (GRCh38, 1-based): chr17:17,794,586, G>A. VCF-style: chr17-17794586-G-A. GRCh37 (hg19) VCF-style: chr17-17697900-G-A.
Other names: c.1638G>A (NM_030665.3).
Identifiers: ClinVar variation 1627783 (VCV001627783.12), dbSNP rs201255330, ClinGen allele CA8418374.